The following is an entry in ClinVar:

ClinVar aggregate classification (germline): Uncertain significance. Review status: criteria provided, multiple submitters, no conflicts (2 of 4 stars). 2 submissions from 2 submitters: Uncertain significance (2). Last evaluated 2022-07-15.

Conditions:
Inborn genetic diseases. Identifiers: MedGen C0950123, MeSH D030342.
Intellectual developmental disorder, autosomal recessive 27. Also called: Mental retardation, autosomal recessive 27; Intellectual disability, autosomal recessive 27. Identifiers: Orphanet 88616, MedGen C3280538, MONDO:0013702, OMIM 614340.

Allele frequency attached by ClinVar (database versions not stated): gnomAD exomes 0.00007 and 0.00021; ExAC 0.00014; gnomAD 0.00014; TOPMed 0.00023.
gnomAD v4.1: 122 of 1,614,182 alleles (0.0076%); highest among the groups gnomAD compares: Admixed American, 0.13%; no homozygotes.

Submissions (2):

Ambry Genetics
Classification: Uncertain significance for Inborn genetic diseases. Last evaluated: 2022-07-15. Review status: criteria provided, single submitter. Criteria: Ambry Variant Classification Scheme 2023. Collection method: clinical testing. Allele origin: germline.

Baylor Genetics
Classification: Uncertain significance for Intellectual developmental disorder, autosomal recessive 27. Last evaluated: 2018-06-22. Review status: criteria provided, single submitter. Criteria: ACMG Guidelines, 2015. Collection method: clinical testing. Allele origin: paternal. Affected: yes.
Comment: This variant was determined to be of uncertain significance according to ACMG Guidelines, 2015 [PMID:25741868].

NM_001040616.3(LINS1):c.1013C>T (p.Ala338Val)

Gene: LINS1 (lines homolog 1; minus strand). Cytogenetic location: 15q26.3.
Variant type: single nucleotide variant.
Coding change: c.1013C>T on transcript NM_001040616.3 (MANE Select); coding-DNA position 1013, C replaced by T.
Protein change: p.Ala338Val; replaces alanine 338 with valine.
Molecular consequence: missense variant. On other transcripts: non-coding transcript variant (3).
Genome position (GRCh38, 1-based): chr15:100,573,860, G>A on the plus strand (C>T on the coding strand, the complement: LINS1 is on the minus strand). VCF-style: chr15-100573860-G-A. GRCh37 (hg19) VCF-style: chr15-101114065-G-A.
Other names: c.266C>T, p.Ala89Val (NM_001352507.2); c.968C>T, p.Ala323Val (NM_001352508.2); short protein forms A338V, A89V, A323V.
Identifiers: ClinVar variation 1031758 (VCV001031758.3), dbSNP rs763210104, ClinGen allele CA7759553.
Genomic context (GRCh38, chr15:100,573,860, plus strand): 5'-TTTTCATAAACAGACAGTGTCTTCAACAACCCCGAATTCACAGCTTGCAAAACAGCATTA[G>A]CTAAAGCCAGCATGTCCACCGCTACATGATGGTCTGGCGGCATTAAGGCAGGCACAGATC-3'
Protein context (NP_001035706.2, residues 328-348): HHVAVDMLAL[Ala338Val]NAVLQAVNSG